The following is an entry in ClinVar:

ClinVar aggregate classification (germline): Uncertain significance (1 of 4 stars; one submission).

Submission:

Labcorp Genetics (formerly Invitae), Labcorp
Classification: Uncertain significance. Last evaluated: 2025-07-16. Review status: criteria provided, single submitter. Criteria: Invitae Variant Classification Sherloc (09022015). Collection method: clinical testing. Allele origin: germline.
Comment: This sequence change replaces phenylalanine, which is neutral and non-polar, with valine, which is neutral and non-polar, at codon 281 of the ALPK3 protein (p.Phe281Val). This variant is not present in population databases (gnomAD no frequency). This variant has not been reported in the literature in individuals affected with ALPK3-related conditions. An algorithm developed to predict the effect of missense changes on protein structure and function (PolyPhen-2) suggests that this variant is likely to be disruptive. In summary, the available evidence is currently insufficient to determine the role of this variant in disease. Therefore, it has been classified as a Variant of Uncertain Significance.

NM_020778.5(ALPK3):c.235T>G (p.Phe79Val)

Gene: ALPK3 (alpha kinase 3; plus strand). Cytogenetic location: 15q25.3.
Variant type: single nucleotide variant.
Coding change: c.235T>G on transcript NM_020778.5 (MANE Select); coding-DNA position 235, T replaced by G.
Protein change: p.Phe79Val; replaces phenylalanine 79 with valine.
Molecular consequence: missense variant.
Genome position (GRCh38, 1-based): chr15:84,827,536, T>G. VCF-style: chr15-84827536-T-G. GRCh37 (hg19) VCF-style: chr15-85370767-T-G.
Other names: short protein forms F79V.
Identifiers: ClinVar variation 4723336 (VCV004723336.1).